The following is an entry in ClinVar:

ClinVar aggregate classification (germline): Likely pathogenic. Review status: criteria provided, multiple submitters, no conflicts (2 of 4 stars). 3 submissions from 3 submitters: Likely pathogenic (2). 1 of the submissions does not count toward it. Last evaluated 2023-08-11.

Conditions:
Charcot-Marie-Tooth Neuropathy X. Identifiers: MedGen CN118851.
Charcot-Marie-Tooth disease. Also called: Charcot-Marie-Tooth Hereditary Neuropathy; Charcot-Marie-Tooth Neuropathy. Identifiers: Orphanet 166, MedGen C0007959, MONDO:0015626.
Charcot-Marie-Tooth disease X-linked dominant 1. Also called: X-linked Charcot-Marie-Tooth disease type 1; GJB1 Disorders: Charcot-Marie-Tooth Neuropathy (CMT1X) and Central Nervous System Phenotypes; HEREDITARY MOTOR AND SENSORY NEUROPATHY, X-LINKED; HMSN, X-LINKED; CHARCOT-MARIE-TOOTH NEUROPATHY, X-LINKED, 1; CHARCOT-MARIE-TOOTH PERONEAL MUSCULAR ATROPHY, X-LINKED. Identifiers: Orphanet 101075, MedGen C0393808, MONDO:0010549, OMIM 302800.

Submissions (3):

Labcorp Genetics (formerly Invitae), Labcorp
Classification: Likely pathogenic for Charcot-Marie-Tooth Neuropathy X. Last evaluated: 2023-08-11. Review status: criteria provided, single submitter. Criteria: Invitae Variant Classification Sherloc (09022015). Collection method: clinical testing. Allele origin: germline.
Comment: In summary, the currently available evidence indicates that the variant is pathogenic, but additional data are needed to prove that conclusively. Therefore, this variant has been classified as Likely Pathogenic. This variant disrupts the p.Leu131 amino acid residue in GJB1. Other variant(s) that disrupt this residue have been observed in individuals with GJB1-related conditions (PMID: 34190362), which suggests that this may be a clinically significant amino acid residue. Advanced modeling of protein sequence and biophysical properties (such as structural, functional, and spatial information, amino acid conservation, physicochemical variation, residue mobility, and thermodynamic stability) performed at Invitae indicates that this missense variant is expected to disrupt GJB1 protein function. ClinVar contains an entry for this variant (Variation ID: 576347). This missense change has been observed in individuals with Charcot-Marie-Tooth disease (PMID: 9818870, 12362307). It has also been observed to segregate with disease in related individuals. This variant is not present in population databases (gnomAD no frequency). This sequence change replaces leucine, which is neutral and non-polar, with proline, which is neutral and non-polar, at codon 131 of the GJB1 protein (p.Leu131Pro).

Mendelics
Classification: Likely pathogenic for Charcot-Marie-Tooth disease X-linked dominant 1. Last evaluated: 2022-05-04. Review status: criteria provided, single submitter. Criteria: Mendelics Assertion Criteria 2019. Collection method: clinical testing. Allele origin: germline.

Inherited Neuropathy Consortium
Classification: Uncertain significance for Charcot-Marie-Tooth disease. Review status: no assertion criteria provided. Collection method: literature only. Allele origin: germline. Affected: yes. Not counted in ClinVar's aggregate classification.

Literature cited by the submitters: PubMed 34190362 (cited by Labcorp Genetics (formerly Invitae), Labcorp); PubMed 9818870 (cited by Labcorp Genetics (formerly Invitae), Labcorp); PubMed 12362307 (cited by Labcorp Genetics (formerly Invitae), Labcorp and Inherited Neuropathy Consortium).

NM_000166.6(GJB1):c.392T>C (p.Leu131Pro)

Gene: GJB1 (gap junction protein beta 1; plus strand). Cytogenetic location: Xq13.1.
Variant type: single nucleotide variant.
Coding change: c.392T>C on transcript NM_000166.6 (MANE Select); coding-DNA position 392, T replaced by C.
Protein change: p.Leu131Pro; replaces leucine 131 with proline.
Molecular consequence: missense variant.
Genome position (GRCh38, 1-based): chrX:71,224,099, T>C. VCF-style: chrX-71224099-T-C. GRCh37 (hg19) VCF-style: chrX-70443949-T-C.
Other names: c.392T>C, p.Leu131Pro (NM_001097642.3); short protein forms L131P.
Identifiers: ClinVar variation 576347 (VCV000576347.12), dbSNP rs1555937166, ClinGen allele CA413502149.
Genomic context (GRCh38, chrX:71,224,099, plus strand): 5'-ATGGGGACCCCCTACACCTGGAGGAGGTGAAGAGGCACAAGGTCCACATCTCAGGGACAC[T>C]GTGGTGGACCTATGTCATCAGCGTGGTGTTCCGGCTGTTGTTTGAGGCCGTCTTCATGTA-3'
Protein context (NP_000157.1, residues 121-141): KRHKVHISGT[Leu131Pro]WWTYVISVVF